The following is an entry in ClinVar:

NM_001005361.3(DNM2):c.2174T>C (p.Met725Thr)

Gene: DNM2 (dynamin 2; plus strand). Cytogenetic location: 19p13.2.
Variant type: single nucleotide variant.
Coding change: c.2174T>C on transcript NM_001005361.3 (MANE Select); coding-DNA position 2174, T replaced by C.
Protein change: p.Met725Thr; replaces methionine 725 with threonine.
Molecular consequence: missense variant.
Genome position (GRCh38, 1-based): chr19:10,829,151, T>C. VCF-style: chr19-10829151-T-C. GRCh37 (hg19) VCF-style: chr19-10939827-T-C.
Other names: c.2174T>C, p.Met725Thr (NM_001005360.3, NM_001190716.2); c.2162T>C, p.Met721Thr (NM_001005362.3, NM_004945.4); short protein forms M721T, M725T.
Identifiers: ClinVar variation 2978953 (VCV002978953.3), dbSNP rs2073248841, ClinGen allele CA404042922.

ClinVar aggregate classification (germline): Uncertain significance (1 of 4 stars; one submission).

Conditions:
Charcot-Marie-Tooth disease dominant intermediate B (CMTDIB). Also called: Charcot-Marie-Tooth disease dominant intermediate 1; CMT DI1; Charcot-Marie-Tooth disease dominant intermediate I; CHARCOT-MARIE-TOOTH NEUROPATHY, DOMINANT INTERMEDIATE B. Identifiers: Orphanet 100044, Orphanet 228179, MedGen C1847902, MONDO:0011674, OMIM 606482.

Allele frequency attached by ClinVar (database versions not stated): TOPMed below 0.00001.

Submission:

Labcorp Genetics (formerly Invitae), Labcorp
Classification: Uncertain significance for Charcot-Marie-Tooth disease dominant intermediate B. Last evaluated: 2025-03-07. Review status: criteria provided, single submitter. Criteria: Invitae Variant Classification Sherloc (09022015). Collection method: clinical testing. Allele origin: germline.
Comment: This sequence change replaces methionine, which is neutral and non-polar, with threonine, which is neutral and polar, at codon 725 of the DNM2 protein (p.Met725Thr). This variant is not present in population databases (gnomAD no frequency). This variant has not been reported in the literature in individuals affected with DNM2-related conditions. ClinVar contains an entry for this variant (Variation ID: 2978953). Invitae Evidence Modeling of protein sequence and biophysical properties (such as structural, functional, and spatial information, amino acid conservation, physicochemical variation, residue mobility, and thermodynamic stability) indicates that this missense variant is not expected to disrupt DNM2 protein function with a negative predictive value of 95%. In summary, the available evidence is currently insufficient to determine the role of this variant in disease. Therefore, it has been classified as a Variant of Uncertain Significance.